The following is an entry in ClinVar:

ClinVar aggregate classification (germline): Uncertain significance (1 of 4 stars; one submission).

Conditions:
C3 glomerulonephritis. Also called: C3 GLOMERULOPATHY 3; Nephropathy due to CFHR5 Deficiency. Identifiers: Orphanet 329931, MedGen C4055342, MONDO:0013892, OMIM 614809.

gnomAD v4.1: 1 of 1,613,496 alleles (0.000062%); highest among the groups gnomAD compares: Non-Finnish European, 0.000085%; no homozygotes.

Submission:

Genomenon, Inc
Classification: Uncertain significance for C3 glomerulonephritis. Last evaluated: 2025-09-30. Review status: criteria provided, single submitter. Criteria: Genomenon Sequence Variant Interpretation Standards. Collection method: curation. Allele origin: germline. Affected: yes.
Comment: C3 c.4172+1G>C is a canonical splice variant located in the donor splice region of intron 33. This variant has been observed in at least one proband affected with C3 glomerulonephritis (PMID:38041748). It is absent or not present at a significant frequency in gnomAD. In conclusion, we classify C3 c.4172+1G>C as a variant of uncertain significance.

Literature cited by the submitters: PubMed 38041748.

NM_000064.4(C3):c.4172+1G>C

Gene: C3 (complement C3; minus strand). Cytogenetic location: 19p13.3.
Variant type: single nucleotide variant.
Coding change: c.4172+1G>C on transcript NM_000064.4 (MANE Select); the canonical splice donor site of the intron after coding-DNA position 4172, G replaced by C.
Molecular consequence: splice donor variant.
Genome position (GRCh38, 1-based): chr19:6,684,387, C>G on the plus strand (G>C on the coding strand, the complement: C3 is on the minus strand). VCF-style: chr19-6684387-C-G. GRCh37 (hg19) VCF-style: chr19-6684398-C-G.
Identifiers: ClinVar variation 4280253 (VCV004280253.1).